The following is an entry in ClinVar:

ClinVar aggregate classification (germline): Uncertain significance (1 of 4 stars; one submission).

gnomAD v4.1: 10 of 1,613,536 alleles (0.00062%); highest among the groups gnomAD compares: East Asian, 0.0022%; no homozygotes.

Submission:

CeGaT Center for Human Genetics Tuebingen
Classification: Uncertain significance. Last evaluated: 2024-11-01. Review status: criteria provided, single submitter. Criteria: CeGaT Center For Human Genetics Tuebingen Variant Classification Criteria Version 2. Collection method: clinical testing. Allele origin: germline. Affected: yes. Observed: 1 variant allele.
Comment: GAN: PM2, BP4

NM_022041.4(GAN):c.527A>C (p.Gln176Pro)

Gene: GAN (gigaxonin; plus strand). Cytogenetic location: 16q23.2.
Variant type: single nucleotide variant.
Coding change: c.527A>C on transcript NM_022041.4 (MANE Select); coding-DNA position 527, A replaced by C.
Protein change: p.Gln176Pro; replaces glutamine 176 with proline.
Molecular consequence: missense variant. On other transcripts: 5 prime UTR variant (1).
Genome position (GRCh38, 1-based): chr16:81,354,649, A>C. VCF-style: chr16-81354649-A-C. GRCh37 (hg19) VCF-style: chr16-81388254-A-C.
Other names: c.-113A>C (NM_001377486.1); short protein forms Q176P.
Identifiers: ClinVar variation 3390033 (VCV003390033.14).